The following is an entry in ClinVar:

ClinVar aggregate classification (germline): Likely pathogenic (1 of 4 stars; one submission).

Submission:

Dasa
Classification: Likely pathogenic. Last evaluated: 2025-12-31. Review status: criteria provided, single submitter. Criteria: DASA Assertion Criteria. Collection method: clinical testing. Allele origin: germline.
Comment: NM_000088.4(COL1A1):c.125_141del (p.Gln42Profs*2) is a frameshift variant in COL1A1 predicted to alter the reading frame and introduce a premature termination codon and is predicted to result in an absent or altered protein product. Loss of function is an established disease mechanism for COL1A1 (PMID: 9067755; PMID: 9016532). Also, this variant is rare in population databases. Based on the currently available evidence, this variant is classified as likely pathogenic.

Literature cited by the submitters: PubMed 9067755; PubMed 9016532.

NM_000088.4(COL1A1):c.125_141del (p.Gln42fs)

Gene: COL1A1 (collagen type I alpha 1 chain; minus strand). Cytogenetic location: 17q21.33.
Variant type: Deletion.
Coding change: c.125_141del on transcript NM_000088.4 (MANE Select); coding-DNA positions 125 to 141, 17 bases deleted (AGAACGGCCTCAGGTAC).
Protein change: p.Gln42fs; shifts the reading frame from glutamine 42.
Molecular consequence: frameshift variant.
Genome position (GRCh38, 1-based): chr17:50,199,910-50,199,926, GTACCTGAGGCCGTTCT deleted on the plus strand (AGAACGGCCTCAGGTAC on the coding strand, the reverse complement: COL1A1 is on the minus strand); deleting any 17 consecutive bases within chr17:50,199,910-50,199,930 gives the same sequence; the c. name uses the placement nearest the transcript's 3' end. VCF-style (leftmost placement, unchanged base first): chr17-50199909-GGTACCTGAGGCCGTTCT-G. GRCh37 (hg19) VCF-style: chr17-48277270-GGTACCTGAGGCCGTTCT-G.
Other names: short protein forms Q42fs.
Identifiers: ClinVar variation 4880809 (VCV004880809.2).